The following is an entry in ClinVar:

NM_001394998.1(TANC2):c.2976C>G (p.Gly992=)

Genes: TANC2 (tetratricopeptide repeat, ankyrin repeat and coiled-coil containing 2; plus strand), LOC105371856 (uncharacterized LOC105371856; minus strand). Cytogenetic location: 17q23.3.
Variant type: single nucleotide variant.
Coding change: c.2976C>G on transcript NM_001394998.1 (MANE Select); coding-DNA position 2976, C replaced by G.
Protein change: p.Gly992=; no amino-acid change (glycine 992 retained).
Molecular consequence: synonymous variant.
Genome position (GRCh38, 1-based): chr17:63,389,469, C>G. VCF-style: chr17-63389469-C-G. GRCh37 (hg19) VCF-style: chr17-61466830-C-G.
Other names: c.2754C>G, p.Gly918= (NM_001411076.1, NM_025185.4).
Identifiers: ClinVar variation 4084361 (VCV004084361.8).
Genomic context (GRCh38, chr17:63,389,469, plus strand): 5'-AGAAATGGTAGCCCTGCTGCTGGAGTTCGGGGCCAACGTGGATGCCTCTTCTGAAAGTGG[C>G]CTGACTCCCCTGGGATATGCTGCAGCAGCAGGGTACCTGAGCATTGTGGTGCTGCTGTGC-3'
Protein context (NP_001381927.1, residues 982-1002): GANVDASSES[Gly992=]LTPLGYAAAA

ClinVar aggregate classification (germline): Likely benign (1 of 4 stars; one submission).

gnomAD v4.1: 22 of 1,613,704 alleles (0.0014%); highest among the groups gnomAD compares: Middle Eastern, 0.016%; 1 homozygote.

Submission:

CeGaT Center for Human Genetics Tuebingen
Classification: Likely benign. Last evaluated: 2025-07-01. Review status: criteria provided, single submitter. Criteria: CeGaT Center For Human Genetics Tuebingen Variant Classification Criteria Version 2. Collection method: clinical testing. Allele origin: germline. Affected: yes. Observed: 1 variant allele.
Comment: TANC2: BP4, BP7